The following is an entry in ClinVar:

NM_000179.3(MSH6):c.657T>A (p.Ser219Arg)

Gene: MSH6 (mutS homolog 6; plus strand). Cytogenetic location: 2p16.3.
Variant type: single nucleotide variant.
Coding change: c.657T>A on transcript NM_000179.3 (MANE Select); coding-DNA position 657, T replaced by A.
Protein change: p.Ser219Arg; replaces serine 219 with arginine.
Molecular consequence: missense variant. On other transcripts: 5 prime UTR variant (2).
Genome position (GRCh38, 1-based): chr2:47,798,640, T>A. VCF-style: chr2-47798640-T-A. GRCh37 (hg19) VCF-style: chr2-48025779-T-A.
Other names: c.267T>A, p.Ser89Arg (NM_001281492.2); c.-250T>A (NM_001281493.2, NM_001281494.2); short protein forms S89R, S219R.
Identifiers: ClinVar variation 1426375 (VCV001426375.8), dbSNP rs1460925251, ClinGen allele CA346739334.
Genomic context (GRCh38, chr2:47,798,640, plus strand): 5'-TGTTTTTAAATACTCTTTCCTTGCCTGGCAGGTAGGCACAACTTACGTAACAGATAAGAG[T>A]GAAGAAGATAATGAAATTGAGAGTGAAGAGGAAGTACAGCCTAAGACACAAGGATCTAGG-3'
Protein context (NP_000170.1, residues 209-229): EVGTTYVTDK[Ser219Arg]EEDNEIESEE

ClinVar aggregate classification (germline): Uncertain significance (1 of 4 stars; one submission).

Conditions:
Hereditary nonpolyposis colorectal neoplasms. Identifiers: MedGen C0009405, MeSH D003123.

Submission:

Labcorp Genetics (formerly Invitae), Labcorp
Classification: Uncertain significance for Hereditary nonpolyposis colorectal neoplasms. Last evaluated: 2021-07-08. Review status: criteria provided, single submitter. Criteria: Invitae Variant Classification Sherloc (09022015). Collection method: clinical testing. Allele origin: germline.
Comment: This sequence change replaces serine with arginine at codon 219 of the MSH6 protein (p.Ser219Arg). The serine residue is weakly conserved and there is a moderate physicochemical difference between serine and arginine. This variant is not present in population databases (ExAC no frequency). This variant has not been reported in the literature in individuals affected with MSH6-related conditions. Advanced modeling of protein sequence and biophysical properties (such as structural, functional, and spatial information, amino acid conservation, physicochemical variation, residue mobility, and thermodynamic stability) performed at Invitae indicates that this missense variant is not expected to disrupt MSH6 protein function. In summary, the available evidence is currently insufficient to determine the role of this variant in disease. Therefore, it has been classified as a Variant of Uncertain Significance.